The following is an entry in ClinVar:

NM_000302.4(PLOD1):c.2051G>C (p.Arg684Pro)

Gene: PLOD1 (procollagen-lysine,2-oxoglutarate 5-dioxygenase 1; plus strand). Cytogenetic location: 1p36.22.
Variant type: single nucleotide variant.
Coding change: c.2051G>C on transcript NM_000302.4 (MANE Select); coding-DNA position 2051, G replaced by C.
Protein change: p.Arg684Pro; replaces arginine 684 with proline.
Molecular consequence: missense variant.
Genome position (GRCh38, 1-based): chr1:11,974,675, G>C. VCF-style: chr1-11974675-G-C. GRCh37 (hg19) VCF-style: chr1-12034732-G-C.
Other names: c.2051G>C (NM_000302.3); c.2192G>C, p.Arg731Pro (NM_001316320.2); short protein forms R684P, R731P.
Identifiers: ClinVar variation 1714590 (VCV001714590.4), dbSNP rs772498138, ClinGen allele CA338453395.

ClinVar aggregate classification (germline): Uncertain significance. Review status: criteria provided, multiple submitters, no conflicts (2 of 4 stars). 2 submissions from 2 submitters: Uncertain significance (2). Last evaluated 2025-03-31.

Conditions:
Familial thoracic aortic aneurysm and aortic dissection (TAAD). Also called: Thoracic aortic aneurysms and dissections. Identifiers: Orphanet 91387, MedGen C4707243, MONDO:0019625.
Ehlers-Danlos syndrome, kyphoscoliotic type 1 (EDSKSCL1). Also called: Ehlers-Danlos syndrome, hydroxylysine-deficient; EHLERS-DANLOS SYNDROME, OCULAR-SCOLIOTIC TYPE; PLOD1-Related Kyphoscoliotic Ehlers-Danlos Syndrome; EHLERS-DANLOS SYNDROME, TYPE VIA. Identifiers: Orphanet 1900, MedGen C0268342, MONDO:0016002, OMIM 225400. Disease mechanism: loss of function.

Submissions (2):

Ambry Genetics
Classification: Uncertain significance for Familial thoracic aortic aneurysm and aortic dissection. Last evaluated: 2025-03-31. Review status: criteria provided, single submitter. Criteria: Ambry Variant Classification Scheme 2023. Collection method: clinical testing. Allele origin: germline.
Comment: The p.R684P variant (also known as c.2051G>C), located in coding exon 19 of the PLOD1 gene, results from a G to C substitution at nucleotide position 2051. The arginine at codon 684 is replaced by proline, an amino acid with dissimilar properties. This amino acid position is conserved. In addition, this alteration is predicted to be deleterious by in silico analysis. Based on the available evidence, the clinical significance of this variant remains unclear.

Labcorp Genetics (formerly Invitae), Labcorp
Classification: Uncertain significance for Ehlers-Danlos syndrome, kyphoscoliotic type 1. Last evaluated: 2022-07-30. Review status: criteria provided, single submitter. Criteria: Invitae Variant Classification Sherloc (09022015). Collection method: clinical testing. Allele origin: germline.
Comment: This sequence change replaces arginine, which is basic and polar, with proline, which is neutral and non-polar, at codon 684 of the PLOD1 protein (p.Arg684Pro). This variant is not present in population databases (gnomAD no frequency). This variant has not been reported in the literature in individuals affected with PLOD1-related conditions. Algorithms developed to predict the effect of missense changes on protein structure and function are either unavailable or do not agree on the potential impact of this missense change (SIFT: "Deleterious"; PolyPhen-2: "Probably Damaging"; Align-GVGD: "Class C0"). In summary, the available evidence is currently insufficient to determine the role of this variant in disease. Therefore, it has been classified as a Variant of Uncertain Significance.